The following is an entry in ClinVar:

ClinVar aggregate classification (germline): Uncertain significance (1 of 4 stars; one submission).

Conditions:
Developmental and epileptic encephalopathy. Identifiers: MedGen C5779964, MONDO:0100620.

Submission:

Labcorp Genetics (formerly Invitae), Labcorp
Classification: Uncertain significance for Early-infantile DEE. Last evaluated: 2023-05-15. Review status: criteria provided, single submitter. Criteria: Invitae Variant Classification Sherloc (09022015). Collection method: clinical testing. Allele origin: unknown.
Comment: In summary, the available evidence is currently insufficient to determine the role of this variant in disease. Therefore, it has been classified as a Variant of Uncertain Significance. This variant has not been reported in the literature in individuals affected with KCNQ2-related conditions. This variant results in a copy number gain of the genomic region encompassing exon(s) 1 of the KCNQ2 gene. This region includes the initiator codon of the gene. This copy number gain extends beyond the assayed region for this gene and therefore may encompass additional genes. As the precise location of this event is unknown, it may be in tandem or it may be located elsewhere in the genome.

NC_000020.10:g.(?_62103501)_(62103816_?)dup

Gene: KCNQ2 (potassium voltage-gated channel subfamily Q member 2; minus strand). Cytogenetic location: 20q13.33.
Variant type: Duplication.
Identifiers: ClinVar variation 3248246 (VCV003248246.1).